The following is an entry in ClinVar:

ClinVar aggregate classification (germline): Uncertain significance (1 of 4 stars; one submission).

Conditions:
Glycogen storage disease IXd (GSD9D). Also called: Muscle Phosphorylase Kinase Deficiency; GSD IXd. Identifiers: Orphanet 715, MedGen C1845151, MONDO:0010362, OMIM 300559.

Allele frequency attached by ClinVar (database versions not stated): gnomAD exomes below 0.00001.
gnomAD v4.1: 1 of 1,188,256 alleles (0.000084%); no homozygotes.

Submission:

Labcorp Genetics (formerly Invitae), Labcorp
Classification: Uncertain significance for Glycogen storage disease IXd. Last evaluated: 2023-06-18. Review status: criteria provided, single submitter. Criteria: Invitae Variant Classification Sherloc (09022015). Collection method: clinical testing. Allele origin: germline.
Comment: This variant is present in population databases (no rsID available, gnomAD 0.001%). This variant has not been reported in the literature in individuals affected with PHKA1-related conditions. Advanced modeling of protein sequence and biophysical properties (such as structural, functional, and spatial information, amino acid conservation, physicochemical variation, residue mobility, and thermodynamic stability) performed at Invitae indicates that this missense variant is not expected to disrupt PHKA1 protein function. In summary, the available evidence is currently insufficient to determine the role of this variant in disease. Therefore, it has been classified as a Variant of Uncertain Significance. This sequence change replaces isoleucine, which is neutral and non-polar, with valine, which is neutral and non-polar, at codon 517 of the PHKA1 protein (p.Ile517Val).

NM_002637.4(PHKA1):c.1549A>G (p.Ile517Val)

Gene: PHKA1 (phosphorylase kinase regulatory subunit alpha 1; minus strand). Cytogenetic location: Xq13.1.
Variant type: single nucleotide variant.
Coding change: c.1549A>G on transcript NM_002637.4 (MANE Select); coding-DNA position 1549, A replaced by G.
Protein change: p.Ile517Val; replaces isoleucine 517 with valine.
Molecular consequence: missense variant.
Genome position (GRCh38, 1-based): chrX:72,636,297, T>C on the plus strand (A>G on the coding strand, the complement: PHKA1 is on the minus strand). VCF-style: chrX-72636297-T-C. GRCh37 (hg19) VCF-style: chrX-71856147-T-C.
Other names: c.1549A>G, p.Ile517Val (NM_001122670.2, NM_001172436.2); short protein forms I517V.
Identifiers: ClinVar variation 3020156 (VCV003020156.3), dbSNP rs1556291756, ClinGen allele CA413592273.